The following is an entry in ClinVar:

ClinVar aggregate classification (germline): Uncertain significance (1 of 4 stars; one submission).

Conditions:
DiGeorge syndrome. Also called: THIRD AND FOURTH PHARYNGEAL POUCH SYNDROME; Catch22. Identifiers: Orphanet 567, MedGen C0012236, MONDO:0008564, OMIM 188400.

Submission:

Labcorp Genetics (formerly Invitae), Labcorp
Classification: Uncertain significance for DiGeorge syndrome. Last evaluated: 2023-11-03. Review status: criteria provided, single submitter. Criteria: Invitae Variant Classification Sherloc (09022015). Collection method: clinical testing. Allele origin: germline.
Comment: This variant, c.238_249del, results in the deletion of 4 amino acid(s) of the TBX1 protein (p.Thr80_Ala83del), but otherwise preserves the integrity of the reading frame. The frequency data for this variant in the population databases is considered unreliable, as metrics indicate poor data quality at this position in the gnomAD database. This variant has not been reported in the literature in individuals affected with TBX1-related conditions. Experimental studies and prediction algorithms are not available or were not evaluated, and the functional significance of this variant is currently unknown. In summary, the available evidence is currently insufficient to determine the role of this variant in disease. Therefore, it has been classified as a Variant of Uncertain Significance.

NM_001379200.1(TBX1):c.265_276del (p.Thr89_Ala92del)

Gene: TBX1 (T-box transcription factor 1; plus strand). Cytogenetic location: 22q11.21.
Variant type: Deletion.
Coding change: c.265_276del on transcript NM_001379200.1 (MANE Select); coding-DNA positions 265 to 276, 12 bases deleted (ACCAGCGCCGCC).
Protein change: p.Thr89_Ala92del.
Molecular consequence: inframe deletion.
Genome position (GRCh38, 1-based): chr22:19,761,108-19,761,119, ACCAGCGCCGCC deleted; deleting any 12 consecutive bases within chr22:19,761,102-19,761,119 gives the same sequence; the c. name uses the placement nearest the transcript's 3' end. VCF-style (leftmost placement, unchanged base first): chr22-19761101-GGCCGCCACCAGC-G. GRCh37 (hg19) VCF-style: chr22-19748624-GGCCGCCACCAGC-G.
Other names: c.238_249del, p.Thr80_Ala83del (NM_005992.1, NM_080646.2, NM_080647.1).
Identifiers: ClinVar variation 2740538 (VCV002740538.3), dbSNP rs1569018408, ClinGen allele CA638504339.